The following is an entry in ClinVar:

ClinVar aggregate classification (germline): Uncertain significance (1 of 4 stars; one submission).

Submission:

Ambry Genetics
Classification: Uncertain significance. Last evaluated: 2025-01-19. Review status: criteria provided, single submitter. Criteria: Ambry Variant Classification Scheme 2023. Collection method: clinical testing. Allele origin: germline.
Comment: The p.Q102R variant (also known as c.305A>G), located in coding exon 1 of the GALNT12 gene, results from an A to G substitution at nucleotide position 305. The glutamine at codon 102 is replaced by arginine, an amino acid with highly similar properties. This amino acid position is conserved. In addition, this alteration is predicted to be tolerated by in silico analysis. Based on the available evidence, the clinical significance of this variant remains unclear.

NM_024642.5(GALNT12):c.305A>G (p.Gln102Arg)

Gene: GALNT12 (polypeptide N-acetylgalactosaminyltransferase 12; plus strand). Cytogenetic location: 9q22.33.
Variant type: single nucleotide variant.
Coding change: c.305A>G on transcript NM_024642.5 (MANE Select); coding-DNA position 305, A replaced by G.
Protein change: p.Gln102Arg; replaces glutamine 102 with arginine.
Molecular consequence: missense variant.
Genome position (GRCh38, 1-based): chr9:98,808,003, A>G. VCF-style: chr9-98808003-A-G. GRCh37 (hg19) VCF-style: chr9-101570285-A-G.
Other names: short protein forms Q102R.
Identifiers: ClinVar variation 3852669 (VCV003852669.1).
Genomic context (GRCh38, chr9:98,808,003, plus strand): 5'-TGCGGCTGCAGCTGCAGGGCGAGGAGCTGCGGCTGCAGGAGGAGAGCGTGCGGCTGCACC[A>G]GATTAACATCTACCTCAGCGACCGCATCTCACTGCACCGCCGCCTGCCCGAGCGCTGGAA-3'
Protein context (NP_078918.3, residues 92-112): RLQEESVRLH[Gln102Arg]INIYLSDRIS